The following is an entry in ClinVar:

NM_002693.3(POLG):c.3203A>C (p.Asp1068Ala)

Gene: POLG (DNA polymerase gamma, catalytic subunit; minus strand). Cytogenetic location: 15q26.1.
Variant type: single nucleotide variant.
Coding change: c.3203A>C on transcript NM_002693.3 (MANE Select); coding-DNA position 3203, A replaced by C.
Protein change: p.Asp1068Ala; replaces aspartic acid 1068 with alanine.
Molecular consequence: missense variant.
Genome position (GRCh38, 1-based): chr15:89,319,001, T>G on the plus strand (A>C on the coding strand, the complement: POLG is on the minus strand). VCF-style: chr15-89319001-T-G. GRCh37 (hg19) VCF-style: chr15-89862232-T-G.
Other names: c.3203A>C, p.Asp1068Ala (NM_001126131.2); short protein forms D1068A.
Identifiers: ClinVar variation 1470175 (VCV001470175.7), dbSNP rs774888597, ClinGen allele CA7724209.

ClinVar aggregate classification (germline): Uncertain significance (1 of 4 stars; one submission).

Conditions:
Progressive sclerosing poliodystrophy (MTDPS4A). Also called: Mitochondrial DNA depletion syndrome 4A (Alpers type); ALPERS PROGRESSIVE INFANTILE POLIODYSTROPHY; NEURONAL DEGENERATION OF CHILDHOOD WITH LIVER DISEASE, PROGRESSIVE; Mitochondrial DNA Depletion Syndrome 4A; Alpers-Huttenlocher Syndrome (AHS); Alpers Syndrome. Identifiers: Orphanet 726, MedGen C0205710, MONDO:0008758, OMIM 203700.

Allele frequency attached by ClinVar (database versions not stated): gnomAD exomes below 0.00001 and 0.00001; ExAC 0.00002; gnomAD 0.00002; TOPMed 0.00002.
gnomAD v4.1: 4 of 1,613,982 alleles (0.00025%); highest among the groups gnomAD compares: African/African-American, 0.0053%; no homozygotes.

Submission:

Labcorp Genetics (formerly Invitae), Labcorp
Classification: Uncertain significance for Progressive sclerosing poliodystrophy. Last evaluated: 2024-06-11. Review status: criteria provided, single submitter. Criteria: Invitae Variant Classification Sherloc (09022015). Collection method: clinical testing. Allele origin: germline.
Comment: This sequence change replaces aspartic acid, which is acidic and polar, with alanine, which is neutral and non-polar, at codon 1068 of the POLG protein (p.Asp1068Ala). This variant is present in population databases (rs774888597, gnomAD 0.02%). This variant has not been reported in the literature in individuals affected with POLG-related conditions. ClinVar contains an entry for this variant (Variation ID: 1470175). Advanced modeling of protein sequence and biophysical properties (such as structural, functional, and spatial information, amino acid conservation, physicochemical variation, residue mobility, and thermodynamic stability) performed at Invitae indicates that this missense variant is not expected to disrupt POLG protein function with a negative predictive value of 95%. In summary, the available evidence is currently insufficient to determine the role of this variant in disease. Therefore, it has been classified as a Variant of Uncertain Significance.